The following is an entry in ClinVar:

ClinVar aggregate classification (germline): Uncertain significance. Review status: criteria provided, multiple submitters, no conflicts (2 of 4 stars). 2 submissions from 2 submitters: Uncertain significance (2). Last evaluated 2020-11-10.

Conditions:
Werner syndrome (WRN). Identifiers: Orphanet 902, MedGen C0043119, MONDO:0010196, OMIM 277700.

Submissions (2):

Labcorp Genetics (formerly Invitae), Labcorp
Classification: Uncertain significance for Werner syndrome. Last evaluated: 2020-11-10. Review status: criteria provided, single submitter. Criteria: Invitae Variant Classification Sherloc (09022015). Collection method: clinical testing. Allele origin: germline.
Comment: This variant has not been reported in the literature in individuals with WRN-related conditions. This sequence change replaces serine with threonine at codon 773 of the WRN protein (p.Ser773Thr). The serine residue is highly conserved and there is a small physicochemical difference between serine and threonine. This variant is not present in population databases (ExAC no frequency). Algorithms developed to predict the effect of missense changes on protein structure and function are either unavailable or do not agree on the potential impact of this missense change (SIFT: "Not Available"; PolyPhen-2: "Possibly Damaging"; Align-GVGD: "Not Available"). In summary, the available evidence is currently insufficient to determine the role of this variant in disease. Therefore, it has been classified as a Variant of Uncertain Significance.

Breakthrough Genomics
Classification: Uncertain significance. Review status: criteria provided, single submitter. Criteria: ACMG Guidelines, 2015. Collection method: not provided. Allele origin: germline. Inheritance: Autosomal recessive inheritance. Affected: yes.

NM_000553.6(WRN):c.2317T>A (p.Ser773Thr)

Gene: WRN (WRN RecQ like helicase; plus strand). Cytogenetic location: 8p12.
Variant type: single nucleotide variant.
Coding change: c.2317T>A on transcript NM_000553.6 (MANE Select); coding-DNA position 2317, T replaced by A.
Protein change: p.Ser773Thr; replaces serine 773 with threonine.
Molecular consequence: missense variant.
Genome position (GRCh38, 1-based): chr8:31,116,397, T>A. VCF-style: chr8-31116397-T-A. GRCh37 (hg19) VCF-style: chr8-30973913-T-A.
Other names: short protein forms S773T.
Identifiers: ClinVar variation 1477421 (VCV001477421.7), dbSNP rs1346693264, ClinGen allele CA370913489.